The following is an entry in ClinVar:

ClinVar aggregate classification (germline): Pathogenic. Review status: criteria provided, multiple submitters, no conflicts (2 of 4 stars). 2 submissions from 2 submitters: Pathogenic (2). Last evaluated 2026-09-08.

Conditions:
Arthritis. Identifiers: MedGen C0003864, MONDO:0005578, HP:0001369.

Allele frequency attached by ClinVar (database versions not stated): gnomAD exomes 0.00001.
gnomAD v4.1: 4 of 1,614,162 alleles (0.00025%); highest among the groups gnomAD compares: Non-Finnish European, 0.000085%; no homozygotes.

Submissions (2):

Clinical Genetics Laboratory, Skane University Hospital Lund
Classification: Pathogenic for Arthritis. Last evaluated: 2026-09-08. Review status: criteria provided, single submitter. Criteria: ACMG Guidelines, 2015. Collection method: clinical testing. Allele origin: germline. Affected: yes.
Comment: ACMG criteria used: PS4, PP1_strong, PP4

Labcorp Genetics (formerly Invitae), Labcorp
Classification: Pathogenic. Last evaluated: 2025-10-23. Review status: criteria provided, single submitter. Criteria: Invitae Variant Classification Sherloc (09022015). Collection method: clinical testing. Allele origin: germline.
Comment: This sequence change disrupts the translational stop signal of the TNFRSF11B mRNA. It is expected to extend the length of the TNFRSF11B protein by 19 additional amino acid residues. This variant is not present in population databases (gnomAD no frequency). This protein extension has been observed in individuals with osteoarthritis (PMID: 24743232, 29578045). It has also been observed to segregate with disease in related individuals. ClinVar contains an entry for this variant (Variation ID: 1454756). Algorithms developed to predict the effect of variants on gene product structure and function are not available or were not evaluated for this variant. Experimental studies have shown that this protein extension affects TNFRSF11B function (PMID: 24743232). For these reasons, this variant has been classified as Pathogenic.

Literature cited by the submitters: PubMed 24743232 (cited by Labcorp Genetics (formerly Invitae), Labcorp); PubMed 29578045 (cited by Labcorp Genetics (formerly Invitae), Labcorp).

NM_002546.4(TNFRSF11B):c.1205A>T (p.Ter402Leu)

Gene: TNFRSF11B (TNF receptor superfamily member 11b; minus strand). Cytogenetic location: 8q24.12.
Variant type: single nucleotide variant.
Coding change: c.1205A>T on transcript NM_002546.4 (MANE Select); coding-DNA position 1205, A replaced by T.
Protein change: p.Ter402Leu.
Molecular consequence: stop lost.
Genome position (GRCh38, 1-based): chr8:118,924,375, T>A on the plus strand (A>T on the coding strand, the complement: TNFRSF11B is on the minus strand). VCF-style: chr8-118924375-T-A. GRCh37 (hg19) VCF-style: chr8-119936614-T-A.
Identifiers: ClinVar variation 1454756 (VCV001454756.9), dbSNP rs2129877362, ClinGen allele CA371918210.
Genomic context (GRCh38, chr8:118,924,375, plus strand): 5'-GTTTACTCATCCATGGGATCTCGCCAATTGTGAGGAAACAGCTCAATGGCCATTTCCAGT[T>A]ATAAGCAGCTTATTTTTACTGATTGGACCTGGTTACCTATCATTTCTAAAAATAACTTCT-3'